The following is an entry in ClinVar:

ClinVar aggregate classification (germline): Uncertain significance (1 of 4 stars; one submission).

Conditions:
Pallister-Hall syndrome (PHS). Also called: HYPOTHALAMIC HAMARTOBLASTOMA, HYPOPITUITARISM, IMPERFORATE ANUS, AND POSTAXIAL POLYDACTYLY; GLI3-Related Pallister-Hall Syndrome. Identifiers: Orphanet 672, MedGen C0265220, MONDO:0007804, OMIM 146510.
Greig cephalopolysyndactyly syndrome (GCPS). Also called: GLI3-Related Greig Cephalopolysyndactyly Syndrome; POLYSYNDACTYLY WITH PECULIAR SKULL SHAPE; Greig syndrome. Identifiers: Orphanet 380, MedGen C0265306, MONDO:0008287, OMIM 175700.

gnomAD v4.1: 1 of 1,614,098 alleles (0.000062%); no homozygotes.

Submission:

Labcorp Genetics (formerly Invitae), Labcorp
Classification: Uncertain significance for Pallister-Hall syndrome; Greig cephalopolysyndactyly syndrome. Last evaluated: 2024-04-25. Review status: criteria provided, single submitter. Criteria: Invitae Variant Classification Sherloc (09022015). Collection method: clinical testing. Allele origin: germline.
Comment: This sequence change replaces glycine, which is neutral and non-polar, with arginine, which is basic and polar, at codon 375 of the GLI3 protein (p.Gly375Arg). This variant is not present in population databases (gnomAD no frequency). This variant has not been reported in the literature in individuals affected with GLI3-related conditions. Advanced modeling of protein sequence and biophysical properties (such as structural, functional, and spatial information, amino acid conservation, physicochemical variation, residue mobility, and thermodynamic stability) performed at Invitae indicates that this missense variant is expected to disrupt GLI3 protein function with a positive predictive value of 80%. In summary, the available evidence is currently insufficient to determine the role of this variant in disease. Therefore, it has been classified as a Variant of Uncertain Significance.

NM_000168.6(GLI3):c.1123G>C (p.Gly375Arg)

Gene: GLI3 (GLI family zinc finger 3; minus strand). Cytogenetic location: 7p14.1.
Variant type: single nucleotide variant.
Coding change: c.1123G>C on transcript NM_000168.6 (MANE Select); coding-DNA position 1123, G replaced by C.
Protein change: p.Gly375Arg; replaces glycine 375 with arginine.
Molecular consequence: missense variant.
Genome position (GRCh38, 1-based): chr7:42,026,318, C>G on the plus strand (G>C on the coding strand, the complement: GLI3 is on the minus strand). VCF-style: chr7-42026318-C-G. GRCh37 (hg19) VCF-style: chr7-42065917-C-G.
Other names: short protein forms G375R.
Identifiers: ClinVar variation 3758927 (VCV003758927.2).